The following is an entry in ClinVar:

NM_014165.4(NDUFAF4):c.*332A>T

Gene: NDUFAF4 (NADH:ubiquinone oxidoreductase complex assembly factor 4; minus strand). Cytogenetic location: 6q16.1.
Variant type: single nucleotide variant.
Coding change: c.*332A>T on transcript NM_014165.4 (MANE Select); 332 bases downstream of the stop codon, A replaced by T.
Molecular consequence: 3 prime UTR variant.
Genome position (GRCh38, 1-based): chr6:96,890,772, T>A on the plus strand (A>T on the coding strand, the complement: NDUFAF4 is on the minus strand). VCF-style: chr6-96890772-T-A. GRCh37 (hg19) VCF-style: chr6-97338648-T-A.
Identifiers: ClinVar variation 358266 (VCV000358266.5), dbSNP rs10499008, ClinGen allele CA10627825.

ClinVar aggregate classification (germline): Benign (1 of 4 stars; one submission).

Conditions:
Mitochondrial complex I deficiency, nuclear type 1. Also called: NADH-COENZYME Q REDUCTASE DEFICIENCY; MITOCHONDRIAL NADH DEHYDROGENASE COMPONENT OF COMPLEX I, DEFICIENCY OF. Identifiers: MedGen C6022305, MONDO:0100224, OMIM 252010.

Allele frequency attached by ClinVar (database versions not stated): gnomAD 0.28157 and 0.28290; TOPMed 0.28354; 1000 Genomes Project 30x 0.29029; 1000 Genomes Project 0.29133.
gnomAD v4.1: 67,508 of 240,526 alleles (28%); highest among the groups gnomAD compares: South Asian, 31%; 9,561 homozygotes.

Submission:

Illumina Laboratory Services, Illumina
Classification: Benign for Mitochondrial complex I deficiency, nuclear type 1. Last evaluated: 2018-01-13. Review status: criteria provided, single submitter. Criteria: ICSL Variant Classification Criteria 13 December 2019. Collection method: clinical testing. Allele origin: germline.
Comment: This variant was observed in the ICSL laboratory as part of a predisposition screen in an ostensibly healthy population. It had not been previously curated by ICSL or reported in the Human Gene Mutation Database (HGMD: prior to June 1st, 2018), and was therefore a candidate for classification through an automated scoring system. Utilizing variant allele frequency, disease prevalence and penetrance estimates, and inheritance mode, an automated score was calculated to assess if this variant is too frequent to cause the disease. Based on the score and internal cut-off values, a variant classified as benign is not then subjected to further curation. The score for this variant resulted in a classification of benign for this disease.